The following is an entry in ClinVar:

ClinVar aggregate classification (germline): Conflicting classifications of pathogenicity. Review status: criteria provided, conflicting classifications (1 of 4 stars). 5 submissions from 5 submitters: Uncertain significance (2); Likely benign (1). 2 of the submissions do not count toward it. Last evaluated 2025-03-06.

Conditions:
Inborn genetic diseases. Identifiers: MedGen C0950123, MeSH D030342.
HERC2-related disorder. Also called: HERC2-related condition.
concomitant exotropia.

Allele frequency attached by ClinVar (database versions not stated): gnomAD 0.00021 and 0.00031; gnomAD exomes 0.00025 and 0.00075; TOPMed 0.00053; ExAC 0.00077; 1000 Genomes Project 0.00200; 1000 Genomes Project 30x 0.00203.
gnomAD v4.1: 439 of 1,614,212 alleles (0.027%); highest among the groups gnomAD compares: East Asian, 0.78%; 2 homozygotes.

Submissions (5):

GeneDx
Classification: Uncertain significance. Last evaluated: 2025-03-06. Review status: criteria provided, single submitter. Criteria: GeneDx Variant Classification Process June 2021. Collection method: clinical testing. Allele origin: germline. Affected: yes.
Comment: Has not been published as a clinical report in a peer reviewed journal as a pathogenic variant, nor as a benign variant, to our knowledge; However, p.(S3492P) has been reported in an abstract by Hong et al., 2016 and subsequently cited in a review article, in an individual with intention tremors, Henoch-Schonlein purpura, recurrent sinopulmonary infections, and lymphoma who also harbored an additional HERC2 variant on the opposite allele but it is unknown if this individual harbored variants in other genes that my have potentially contributed to the phenotype (Hong, C. et al. 2016, 22nd Annual ISCT Meeting, Cytotherapy, Volume 18, Issue 6, S3; PMID: 34370298); In silico analysis supports that this missense variant has a deleterious effect on protein structure/function; This variant is associated with the following publications: (PMID: 34370298)

Blueprint Genetics
Classification: Uncertain significance. Last evaluated: 2024-11-08. Review status: criteria provided, single submitter. Criteria: ACMG Guidelines, 2015. Collection method: clinical testing. Allele origin: germline.

Ambry Genetics
Classification: Likely benign for Inborn genetic diseases. Last evaluated: 2022-05-11. Review status: criteria provided, single submitter. Criteria: Ambry Variant Classification Scheme 2023. Collection method: clinical testing. Allele origin: germline.

PreventionGenetics, part of Exact Sciences
Classification: Benign for HERC2-related condition. Last evaluated: 2024-09-11. Review status: no assertion criteria provided. Collection method: clinical testing. Allele origin: germline. Not counted in ClinVar's aggregate classification.
Comment: This variant is classified as benign based on ACMG/AMP sequence variant interpretation guidelines (Richards et al. 2015 PMID: 25741868, with internal and published modifications).

Ophthalmology Lab, The First People's Hospital of Yunnan Provience
Classification: Likely pathogenic for concomitant exotropia. Last evaluated: 2024-08-30. Review status: no assertion criteria provided. Collection method: clinical testing. Allele origin: inherited. Affected: yes. Observed: 3 variant alleles. Not counted in ClinVar's aggregate classification.
Comment: Dominant inheritance. Diseases associated with HERC2 include intellectual developmental disorder, autosomal recessive and skin/hair/eye pigmentation.

NM_004667.6(HERC2):c.10474T>C (p.Ser3492Pro)

Gene: HERC2 (HECT and RLD domain containing E3 ubiquitin protein ligase 2; minus strand). Cytogenetic location: 15q13.1.
Variant type: single nucleotide variant.
Coding change: c.10474T>C on transcript NM_004667.6 (MANE Select); coding-DNA position 10474, T replaced by C.
Protein change: p.Ser3492Pro; replaces serine 3492 with proline.
Molecular consequence: missense variant.
Genome position (GRCh38, 1-based): chr15:28,167,767, A>G on the plus strand (T>C on the coding strand, the complement: HERC2 is on the minus strand). VCF-style: chr15-28167767-A-G. GRCh37 (hg19) VCF-style: chr15-28412913-A-G.
Other names: c.10474T>C (NM_004667.4); short protein forms S3492P.
Identifiers: ClinVar variation 452854 (VCV000452854.9), dbSNP rs185865505, ClinGen allele CA7440825.